The following is an entry in ClinVar:

NM_152564.5(VPS13B):c.6861T>C (p.Asp2287=)

Gene: VPS13B (vacuolar protein sorting 13 homolog B; plus strand). Cytogenetic location: 8q22.2.
Variant type: single nucleotide variant.
Coding change: c.6861T>C on transcript NM_152564.5 (MANE Select); coding-DNA position 6861, T replaced by C.
Protein change: p.Asp2287=; no amino-acid change (aspartic acid 2287 retained).
Molecular consequence: synonymous variant.
Genome position (GRCh38, 1-based): chr8:99,720,548, T>C. VCF-style: chr8-99720548-T-C. GRCh37 (hg19) VCF-style: chr8-100732776-T-C.
Other names: c.6936T>C, p.Asp2312= (NM_017890.5).
Identifiers: ClinVar variation 2848583 (VCV002848583.4), dbSNP rs1833092334, ClinGen allele CA462440871.

ClinVar aggregate classification (germline): Likely benign. Review status: criteria provided, multiple submitters, no conflicts (2 of 4 stars). 2 submissions from 2 submitters: Likely benign (2). Last evaluated 2024-12-31.

Conditions:
VPS13B-related disorder. Also called: VPS13B-related condition.
Cohen syndrome (COH1). Also called: PEPPER SYNDROME; Cutis verticis gyrata, retinitis pigmentosa, and sensorineural deafness. Identifiers: Orphanet 193, MedGen C0265223, MONDO:0008999, OMIM 216550.

Allele frequency attached by ClinVar (database versions not stated): TOPMed 0.00001.

Submissions (2):

PreventionGenetics, part of Exact Sciences
Classification: Likely benign for VPS13B-related condition. Last evaluated: 2024-12-31. Review status: criteria provided, single submitter. Criteria: ACMG Guidelines, 2015. Collection method: clinical testing. Allele origin: germline.
Comment: This variant is classified as likely benign based on ACMG/AMP sequence variant interpretation guidelines (Richards et al. 2015 PMID: 25741868, with internal and published modifications).

Labcorp Genetics (formerly Invitae), Labcorp
Classification: Likely benign for Cohen syndrome. Last evaluated: 2023-03-22. Review status: criteria provided, single submitter. Criteria: Invitae Variant Classification Sherloc (09022015). Collection method: clinical testing. Allele origin: germline.